The following is an entry in ClinVar:

ClinVar aggregate classification (germline): Pathogenic/Likely pathogenic. Review status: criteria provided, multiple submitters, no conflicts (2 of 4 stars). 2 submissions from 2 submitters: Pathogenic (1); Likely pathogenic (1). Last evaluated 2025-06-07.

Conditions:
DMD-related disorder. Also called: DMD-related condition.
Duchenne muscular dystrophy (DMD). Also called: Duchenne Muscular Dystrophy (DMD); MUSCULAR DYSTROPHY, PSEUDOHYPERTROPHIC PROGRESSIVE, DUCHENNE TYPE. Identifiers: Orphanet 98896, MedGen C0013264, MONDO:0010679, OMIM 310200.

Submissions (2):

PreventionGenetics, part of Exact Sciences
Classification: Likely pathogenic for DMD-related condition. Last evaluated: 2025-06-07. Review status: criteria provided, single submitter. Criteria: ACMG Guidelines, 2015. Collection method: clinical testing. Allele origin: germline.
Comment: The DMD c.8655C>A variant is predicted to result in premature protein termination (p.Tyr2885*). To our knowledge, this specific nucleotide change has not been reported in the literature or a large population database (gnomAD), indicating this variant is rare. A different nucleotide change that results in the same nonsense variant (c.8655C>G, p.Tyr2885*) has been reported in a patient with Duchenne muscular dystrophy (Zimowski et al. 2021. PubMed ID: 33420945). Nonsense variants in DMD are expected to be pathogenic. This variant is interpreted as likely pathogenic.

Labcorp Genetics (formerly Invitae), Labcorp
Classification: Pathogenic for Duchenne muscular dystrophy. Last evaluated: 2018-02-23. Review status: criteria provided, single submitter. Criteria: Invitae Variant Classification Sherloc (09022015). Collection method: clinical testing. Allele origin: germline.
Comment: For these reasons, this variant has been classified as Pathogenic. Loss-of-function variants in DMD are known to be pathogenic (PMID: 16770791, 25007885). This variant has not been reported in the literature in individuals with DMD-related disease. This variant is not present in population databases (ExAC no frequency). This sequence change creates a premature translational stop signal (p.Tyr2885*) in the DMD gene. It is expected to result in an absent or disrupted protein product.

Literature cited by the submitters: PubMed 16770791 (cited by Labcorp Genetics (formerly Invitae), Labcorp); PubMed 25007885 (cited by Labcorp Genetics (formerly Invitae), Labcorp).

NM_004006.3(DMD):c.8655C>A (p.Tyr2885Ter)

Gene: DMD (dystrophin; minus strand). Cytogenetic location: Xp21.2.
Variant type: single nucleotide variant.
Coding change: c.8655C>A on transcript NM_004006.3 (MANE Select); coding-DNA position 8655, C replaced by A.
Protein change: p.Tyr2885Ter; replaces tyrosine 2885 with a stop codon.
Molecular consequence: nonsense.
Genome position (GRCh38, 1-based): chrX:31,478,996, G>T on the plus strand (C>A on the coding strand, the complement: DMD is on the minus strand). VCF-style: chrX-31478996-G-T. GRCh37 (hg19) VCF-style: chrX-31497113-G-T.
Other names: c.8631C>A, p.Tyr2877Ter (NM_000109.4); c.8643C>A, p.Tyr2881Ter (NM_004009.3); c.8286C>A, p.Tyr2762Ter (NM_004010.3); c.4632C>A, p.Tyr1544Ter (NM_004011.4); c.4623C>A, p.Tyr1541Ter (NM_004012.4); c.1275C>A, p.Tyr425Ter (NM_004013.3, NM_004020.4, NM_004021.3 and 2 more transcripts); c.468C>A, p.Tyr156Ter (NM_004014.3); short protein forms Y2885*, Y1544*, Y2881*, Y2762*, Y1541*, Y2877*, Y156*, Y425*.
Identifiers: ClinVar variation 577742 (VCV000577742.8), dbSNP rs1569546174, ClinGen allele CA412654453.